The following is an entry in ClinVar:

NM_007294.4(BRCA1):c.1431A>G (p.Val477=)

Gene: BRCA1 (BRCA1 DNA repair associated; minus strand). Cytogenetic location: 17q21.31.
Variant type: single nucleotide variant.
Coding change: c.1431A>G on transcript NM_007294.4 (MANE Select); coding-DNA position 1431, A replaced by G.
Protein change: p.Val477=; no amino-acid change (valine 477 retained).
Molecular consequence: synonymous variant. On other transcripts: intron variant (137).
Genome position (GRCh38, 1-based): chr17:43,094,100, T>C on the plus strand (A>G on the coding strand, the complement: BRCA1 is on the minus strand). VCF-style: chr17-43094100-T-C. GRCh37 (hg19) VCF-style: chr17-41246117-T-C.
Other names: c.1218A>G, p.Val406= (NM_001407571.1, NM_001407853.1, NM_001407894.1 and 9 more transcripts); c.1431A>G, p.Val477= (NM_001407581.1, NM_001407582.1, NM_001407583.1 and 30 more transcripts); c.1428A>G, p.Val476= (NM_001407587.1, NM_001407590.1, NM_001407591.1 and 22 more transcripts); c.1422A>G, p.Val474= (NM_001407646.1, NM_001407647.1); c.1308A>G, p.Val436= (NM_001407648.1, NM_001407664.1, NM_001407665.1 and 19 more transcripts); c.1305A>G, p.Val435= (NM_001407649.1, NM_001407670.1, NM_001407671.1 and 11 more transcripts); c.1353A>G, p.Val451= (NM_001407653.1, NM_001407654.1, NM_001407655.1 and 4 more transcripts); c.1350A>G, p.Val450= (NM_001407659.1, NM_001407660.1, NM_001407661.1 and 1 more transcripts); and 40 more.
Identifiers: ClinVar variation 1049679 (VCV001049679.2), dbSNP rs2154446463, ClinGen allele CA500233798.

ClinVar aggregate classification (germline): Likely benign (0 of 4 stars; one submission).

Conditions:
Carcinoma of colon (CRC). Also called: Colonic carcinoma; Colon carcinoma. Identifiers: MedGen C0699790, MONDO:0002032.

Submission:

Department of Pathology and Laboratory Medicine, Sinai Health System
Classification: Likely benign for Carcinoma of colon. Review status: no assertion criteria provided. Collection method: clinical testing. Allele origin: unknown. Affected: yes. Study: The Canadian Open Genetics Repository (COGR).
Comment: The BRCA1 p.Val477= variant was not identified in the literature nor was it identified in the dbSNP, ClinVar, Cosmic, MutDB, LOVD 3.0, UMD-LSDB, BIC Database or ARUP Laboratories databases. The variant was not identified in the following control databases: the NHLBI GO Exome Sequencing Project, the Exome Aggregation Consortium (August 8th 2016), or the Genome Aggregation Database (Feb 27, 2017). The p.Val477= variant is not expected to have clinical significance because it does not result in a change of amino acid and is not located in a known consensus splice site. In addition, in silico or computational prediction software programs (SpliceSiteFinder, MaxEntScan, NNSPLICE, GeneSplicer) do not predict a difference in splicing. In summary, based on the above information the clinical significance of this variant cannot be determined with certainty at this time although we would lean towards a more benign role for this variant. This variant is classified as likely benign.